The following is an entry in ClinVar:

ClinVar aggregate classification (germline): Uncertain significance (1 of 4 stars; one submission).

Conditions:
Inborn genetic diseases. Identifiers: MedGen C0950123, MeSH D030342.

Allele frequency attached by ClinVar (database versions not stated): gnomAD exomes below 0.00001.
gnomAD v4.1: 4 of 1,612,396 alleles (0.00025%); highest among the groups gnomAD compares: Non-Finnish European, 0.00034%; no homozygotes.

Submission:

Ambry Genetics
Classification: Uncertain significance for Inborn genetic diseases. Last evaluated: 2022-09-21. Review status: criteria provided, single submitter. Criteria: Ambry Variant Classification Scheme 2023. Collection method: clinical testing. Allele origin: germline.
Comment: The p.G67R variant (also known as c.199G>A), located in coding exon 1 of the WNK1 gene, results from a G to A substitution at nucleotide position 199. The glycine at codon 67 is replaced by arginine, an amino acid with dissimilar properties. This amino acid position is highly conserved in available vertebrate species. In addition, this alteration is predicted to be tolerated by in silico analysis. Since supporting evidence is limited at this time, the clinical significance of this alteration remains unclear.

NM_018979.4(WNK1):c.199G>A (p.Gly67Arg)

Gene: WNK1 (WNK lysine deficient protein kinase 1; plus strand). Cytogenetic location: 12p13.33.
Variant type: single nucleotide variant.
Coding change: c.199G>A on transcript NM_018979.4 (MANE Select); coding-DNA position 199, G replaced by A.
Protein change: p.Gly67Arg; replaces glycine 67 with arginine.
Molecular consequence: missense variant.
Genome position (GRCh38, 1-based): chr12:753,764, G>A. VCF-style: chr12-753764-G-A. GRCh37 (hg19) VCF-style: chr12-862930-G-A.
Other names: c.199G>A, p.Gly67Arg (NM_001184985.2, NM_014823.3, NM_213655.5); short protein forms G67R.
Identifiers: ClinVar variation 1784138 (VCV001784138.2), dbSNP rs1939541687, ClinGen allele CA383304218.